The following is an entry in ClinVar:

NM_005635.4(SSX1):c.500G>T (p.Arg167Ile)

Gene: SSX1 (SSX family member 1; plus strand). Cytogenetic location: Xp11.23.
Variant type: single nucleotide variant.
Coding change: c.500G>T on transcript NM_005635.4 (MANE Select); coding-DNA position 500, G replaced by T.
Protein change: p.Arg167Ile; replaces arginine 167 with isoleucine.
Molecular consequence: missense variant.
Genome position (GRCh38, 1-based): chrX:48,266,320, G>T. VCF-style: chrX-48266320-G-T. GRCh37 (hg19) VCF-style: chrX-48125755-G-T.
Other names: c.500G>T, p.Arg167Ile (NM_001278691.2); short protein forms R167I.
Identifiers: ClinVar variation 4865168 (VCV004865168.1).

ClinVar aggregate classification (germline): Uncertain significance (1 of 4 stars; one submission).

gnomAD v4.1: 44 of 1,208,164 alleles (0.0036%); highest among the groups gnomAD compares: Non-Finnish European, 0.0048%; no homozygotes.

Submission:

Ambry Genetics
Classification: Uncertain significance. Last evaluated: 2026-03-23. Review status: criteria provided, single submitter. Criteria: Ambry Variant Classification Scheme 2023. Collection method: clinical testing. Allele origin: germline.
Comment: The c.500G>T (p.R167I) alteration is located in exon 7 (coding exon 6) of the SSX1 gene. This alteration results from a G to T substitution at nucleotide position 500, causing the arginine (R) at amino acid position 167 to be replaced by an isoleucine (I). Based on data from gnomAD, the T allele has an overall frequency of 0.002% (4/204986) total alleles studied. The highest observed frequency was 0.004% (4/92439) of European (non-Finnish) alleles. Based on insufficient or conflicting evidence, the clinical significance of this alteration remains unclear.